The following is an entry in ClinVar:

NM_001039141.3(TRIOBP):c.1104del (p.Pro369fs)

Gene: TRIOBP (TRIO and F-actin binding protein; plus strand). Cytogenetic location: 22q13.1.
Variant type: Deletion.
Coding change: c.1104del on transcript NM_001039141.3 (MANE Select); coding-DNA position 1104, one base deleted (T; older notation c.1104delT).
Protein change: p.Pro369fs; shifts the reading frame from proline 369.
Molecular consequence: frameshift variant.
Genome position (GRCh38, 1-based): chr22:37,723,660, T deleted; the last of 4 consecutive T bases (chr22:37,723,657-37,723,660); deleting any one gives the same sequence. VCF-style (leftmost placement, unchanged base first): chr22-37723656-CT-C. GRCh37 (hg19) VCF-style: chr22-38119663-CT-C.
Other names: short protein forms P369fs.
Identifiers: ClinVar variation 3601945 (VCV003601945.1).

ClinVar aggregate classification (germline): Pathogenic (1 of 4 stars; one submission).

Conditions:
Autosomal recessive nonsyndromic hearing loss 28. Identifiers: Orphanet 90636, MedGen C1853276, MONDO:0012355, OMIM 609823.

Submission:

Institute of Rare Diseases, West China Hospital, Sichuan University
Classification: Pathogenic for Autosomal recessive nonsyndromic hearing loss 28. Last evaluated: 2025-01-09. Review status: criteria provided, single submitter. Criteria: ClinGen HL ACMG Specifications v1. Collection method: research. Allele origin: germline. Affected: yes.
Comment: PVS1;PM3;PM2_Supporting